The following is an entry in ClinVar:

NM_020987.5(ANK3):c.4195A>G (p.Ile1399Val)

Gene: ANK3 (ankyrin 3; minus strand). Cytogenetic location: 10q21.2.
Variant type: single nucleotide variant.
Coding change: c.4195A>G on transcript NM_020987.5 (MANE Select); coding-DNA position 4195, A replaced by G.
Protein change: p.Ile1399Val; replaces isoleucine 1399 with valine.
Molecular consequence: missense variant.
Genome position (GRCh38, 1-based): chr10:60,083,497, T>C on the plus strand (A>G on the coding strand, the complement: ANK3 is on the minus strand). VCF-style: chr10-60083497-T-C. GRCh37 (hg19) VCF-style: chr10-61843255-T-C.
Other names: c.4177A>G, p.Ile1393Val (NM_001204403.2); c.4198A>G, p.Ile1400Val (NM_001204404.2); c.4195A>G, p.Ile1399Val (NM_001320874.2); c.1597A>G, p.Ile533Val (NM_001149.4); c.4195A>G (NM_020987.3); short protein forms I533V, I1393V, I1399V, I1400V.
Identifiers: ClinVar variation 1990875 (VCV001990875.5), dbSNP rs781387552, ClinGen allele CA5512296.
Genomic context (GRCh38, chr10:60,083,497, plus strand): 5'-CTCTAAGAGTATTTTTTCCCCATAATTCACAGATTCTCTGTTAAAGATGATTTACCTTGA[T>C]GGAAAATGGCAGTCTATTTTCTTTGAAAGAATAAAAGTTAAAAACAAGTTGCTGTCCTCC-3'
Protein context (NP_066267.2, residues 1389-1409): SFKENRLPFS[Ile1399Val]KIRDTSQEPC

ClinVar aggregate classification (germline): Uncertain significance. Review status: criteria provided, multiple submitters, no conflicts (2 of 4 stars). 4 submissions from 4 submitters: Uncertain significance (4). Last evaluated 2026-04-02.

Conditions:
Inborn genetic diseases. Identifiers: MedGen C0950123, MeSH D030342.

Allele frequency attached by ClinVar (database versions not stated): TOPMed 0.00001; gnomAD 0.00001; ExAC 0.00002.
gnomAD v4.1: 6 of 1,610,672 alleles (0.00037%); highest among the groups gnomAD compares: Admixed American, 0.0084%; no homozygotes.

Submissions (4):

GeneDx
Classification: Uncertain significance. Last evaluated: 2026-04-02. Review status: criteria provided, single submitter. Criteria: GeneDx Variant Classification Process June 2021. Collection method: clinical testing. Allele origin: germline.
Comment: In silico analysis suggests that this missense variant does not alter protein structure/function; Has not been previously published as pathogenic or benign to our knowledge

Ambry Genetics
Classification: Uncertain significance for Inborn genetic diseases. Last evaluated: 2025-08-23. Review status: criteria provided, single submitter. Criteria: Ambry Variant Classification Scheme 2023. Collection method: clinical testing. Allele origin: germline.

Dasa
Classification: Uncertain significance. Last evaluated: 2025-04-23. Review status: criteria provided, single submitter. Criteria: DASA Assertion Criteria. Collection method: clinical testing. Allele origin: germline.
Comment: NM_020987.5(ANK3):c.4195A>G (p.Ile1399Val) is a missense variant that results in the substitution of isoleucine with valine. This variant is rare in population databases. Computational prediction algorithms are consistent with a benign effect. The currently available literature and clinical evidence are not sufficient to establish a definitive association between this variant and the reported condition. Therefore, this variant is classified as a variant of uncertain significance.

Labcorp Genetics (formerly Invitae), Labcorp
Classification: Uncertain significance. Last evaluated: 2022-08-01. Review status: criteria provided, single submitter. Criteria: Invitae Variant Classification Sherloc (09022015). Collection method: clinical testing. Allele origin: germline.
Comment: This sequence change replaces isoleucine, which is neutral and non-polar, with valine, which is neutral and non-polar, at codon 1399 of the ANK3 protein (p.Ile1399Val). This variant is present in population databases (rs781387552, gnomAD 0.009%). This variant has not been reported in the literature in individuals affected with ANK3-related conditions. Algorithms developed to predict the effect of missense changes on protein structure and function output the following: SIFT: "Not Available"; PolyPhen-2: "Benign"; Align-GVGD: "Not Available". The valine amino acid residue is found in multiple mammalian species, which suggests that this missense change does not adversely affect protein function. In summary, the available evidence is currently insufficient to determine the role of this variant in disease. Therefore, it has been classified as a Variant of Uncertain Significance.